The following is an entry in ClinVar:

ClinVar aggregate classification (germline): Likely benign. Review status: reviewed by expert panel (3 of 4 stars). 22 submissions from 20 submitters: Likely benign (1). 21 of the submissions do not count toward it. Last evaluated 2023-11-28.

Conditions:
SLC26A4-related disorder. Also called: SLC26A4-related condition; SLC26A4-related disorders.
Nonsyndromic genetic hearing loss. Also called: Non-syndromic genetic deafness; Nonsyndromic hearing loss and deafness; Nonsyndromic genetic deafness. Identifiers: Orphanet 87884, MedGen C5680182, MONDO:0019497.
Pendred syndrome (PDS). Also called: Pendred's syndrome; DEAFNESS WITH GOITER; GOITER-DEAFNESS SYNDROME; HYPOTHYROIDISM, CONGENITAL, DUE TO DYSHORMONOGENESIS, 2B; THYROID DYSHORMONOGENESIS 2B; THYROID HORMONOGENESIS, GENETIC DEFECT IN, 2B. Identifiers: Orphanet 705, MedGen C0271829, MONDO:0010134, OMIM 274600.
Autosomal recessive nonsyndromic hearing loss 4 (DFNB4). Also called: FOXI1-Related Pendred Syndrome; KCNJ10-Related Pendred Syndrome; DEAFNESS, AUTOSOMAL RECESSIVE 4, WITH ENLARGED VESTIBULAR AQUEDUCT, DIGENIC; Deafness, autosomal recessive 4; Nonsyndromic enlarged vestibular aqueduct (NSEVA); NEUROSENSORY NONSYNDROMIC RECESSIVE DEAFNESS 4. Identifiers: Orphanet 90636, MedGen C3538946, MONDO:0010933, OMIM 600791.

Allele frequency attached by ClinVar (database versions not stated): TOPMed 0.00151; ESP Exome Variant Server 0.00038; gnomAD exomes 0.00047 and 0.00061; ExAC 0.00054; gnomAD 0.00082 and 0.00083; 1000 Genomes Project 30x 0.00094; 1000 Genomes Project 0.00100.
gnomAD v4.1: 888 of 1,614,000 alleles (0.055%); highest among the groups gnomAD compares: Middle Eastern, 0.87%; 6 homozygotes.

Submissions 1 to 11 of 22:

ClinGen Hearing Loss Variant Curation Expert Panel
Classification: Likely benign for Nonsyndromic genetic hearing loss. Last evaluated: 2023-11-28. Review status: reviewed by expert panel. Criteria: Clingen Hl Acmg Specifications Cdh23 Coch Gjb2 Kcnq4 Myo6 Myo7a Slc26a4 Tecta Ush2a V2. Collection method: curation. Allele origin: germline. Inheritance: Autosomal recessive inheritance.
Comment: The c.1061T>C variant in SLC26A4 is a missense variant predicted to cause substitution of phenylalanine by serine at amino acid 354 (p.Phe354Ser). The filtering allele frequency (95% CI) in gnomAD v.2.1.1 was 0.1102% (153/251206 alleles, 6 homozygotes) in Latino/Admixed American population which meets the AR threshold (>=0.07%) for BS1_P. Although the REVEL computational prediction analysis tool produced a score of 0.955, PP3 was not applied. It was observed in 3 probands with sensorineural hearing loss, however they were not scored due to the high FAF in gnomAD (PMID: 26226137, 32747562, 27861301). Functional studies have shown that this variant does not affect the ability of the protein to mediate iodide and chloride transport (PMID:22116359, 31599023) meeting BS3. In summary, this variant is likely benign for autosomal recessive nonsyndromic hearing loss based on the ACMG/AMP criteria applied as specified by the ClinGen Hearing Loss Expert Panel: BS3, BS1_P (ClinGen Hearing Loss VCEP specifications version 2; 11/28/2023)

Women's Health and Genetics/Laboratory Corporation of America, LabCorp
Classification: Uncertain significance. Last evaluated: 2025-08-18. Review status: criteria provided, single submitter. Criteria: LabCorp Variant Classification Summary - May 2015. Collection method: clinical testing. Allele origin: germline. Not counted in ClinVar's aggregate classification.
Comment: Variant summary: SLC26A4 c.1061T>C (p.Phe354Ser) results in a non-conservative amino acid change located in the SLC26A/SulP transporter domain (IPR011547) of the encoded protein sequence. Algorithms developed to predict the effect of missense changes on protein structure and function all suggest that this variant is likely to be disruptive. The variant allele was found at a frequency of 0.00055 in 1614856 control chromosomes, predominantly at a frequency of 0.0024 within the Latino subpopulation in the gnomAD database. This frequency is not significantly higher than estimated for a pathogenic variant in SLC26A4 causing Pendred Syndrome (0.00055 vs 0.0035), allowing no conclusion about variant significance. c.1061T>C has been reported in several compound heterozgyous and homozygous individuals with SLC26A4-related disorders (e.g. Blons_2004, Franze_2016, Wolf_2017, Bademci_2016), however no co-segregation data was reported. The variant has also been reported in multiple heterozygous individuals affected with non-syndromic hearing loss without other features of Pendred Syndrome (e.g. Albert_2006, Dai_2009, Landa_2013, Chouchen_2021), and in individuals with autoimmune thyroid diseases (Graves' Disease and Hashimoto's Thyroiditis) (e.g. Kallel_2013); however no second SLC26A4 variant was identified in these cases. These data do not allow any conclusion about variant significance. Multiple publications report experimental evidence evaluating an impact on protein function (e.g. Dai_2009, Dossena_2011, Wasano_2020). These studies found that the variant had similar Cl-/OH- and I-/Cl- transport activity to the WT protein, but had conflicting results with respect to HCO3-/Cl- exchange, with at least one study reporting an approximately 70% reduction in transport activity and another identifying no impairment. The following publications have been ascertained in the context of this evaluation (PMID: 32747562, 16570074, 30245029, 26226137, 15355436, 33199029, 19509082, 22116359, 26894580, 23280318, 23965030, 31599023, 27861301). ClinVar contains an entry for this variant (Variation ID: 43492). Based on the evidence outlined above, the variant was classified as uncertain significance.

Blueprint Genetics
Classification: Likely benign. Last evaluated: 2024-11-12. Review status: criteria provided, single submitter. Criteria: ACMG Guidelines, 2015. Collection method: clinical testing. Allele origin: germline. Not counted in ClinVar's aggregate classification.

CeGaT Center for Human Genetics Tuebingen
Classification: Likely benign. Last evaluated: 2024-07-01. Review status: criteria provided, single submitter. Criteria: CeGaT Center For Human Genetics Tuebingen Variant Classification Criteria Version 2. Collection method: clinical testing. Allele origin: germline. Affected: yes. Observed: 3 variant alleles. Not counted in ClinVar's aggregate classification.
Comment: SLC26A4: PP3, BS1

Labcorp Genetics (formerly Invitae), Labcorp
Classification: Uncertain significance. Last evaluated: 2022-09-01. Review status: criteria provided, single submitter. Criteria: Invitae Variant Classification Sherloc (09022015). Collection method: clinical testing. Allele origin: germline. Not counted in ClinVar's aggregate classification.
Comment: This sequence change replaces phenylalanine, which is neutral and non-polar, with serine, which is neutral and polar, at codon 354 of the SLC26A4 protein (p.Phe354Ser). This variant is present in population databases (rs111033243, gnomAD 0.1%), and has an allele count higher than expected for a pathogenic variant. This missense change has been observed in individual(s) with non-syndromic deafness and/or Pendred syndrome (PMID: 15355436, 26894580, 32747562). This variant is also known as F355S. ClinVar contains an entry for this variant (Variation ID: 43492). Advanced modeling of protein sequence and biophysical properties (such as structural, functional, and spatial information, amino acid conservation, physicochemical variation, residue mobility, and thermodynamic stability) performed at Invitae indicates that this missense variant is expected to disrupt SLC26A4 protein function. Experimental studies are conflicting or provide insufficient evidence to determine the effect of this variant on SLC26A4 function (PMID: 19509082, 22116359). In summary, the available evidence is currently insufficient to determine the role of this variant in disease. Therefore, it has been classified as a Variant of Uncertain Significance.

Revvity Omics, Revvity
Classification: Uncertain significance. Last evaluated: 2021-12-16. Review status: criteria provided, single submitter. Criteria: ACMG Guidelines, 2015. Collection method: clinical testing. Allele origin: germline. Not counted in ClinVar's aggregate classification.

Genome-Nilou Lab
Classification: Likely benign for Autosomal recessive nonsyndromic hearing loss 4. Last evaluated: 2021-09-05. Review status: criteria provided, single submitter. Criteria: ACMG Guidelines, 2015. Collection method: clinical testing. Allele origin: germline. Affected: no. Not counted in ClinVar's aggregate classification.

GeneDx
Classification: Likely benign. Last evaluated: 2021-06-23. Review status: criteria provided, single submitter. Criteria: GeneDx Variant Classification Process June 2021. Collection method: clinical testing. Allele origin: germline. Affected: yes. Not counted in ClinVar's aggregate classification.
Comment: This variant is associated with the following publications: (PMID: 32747562, 28444304, 27861301, 26764160, 26226137, 33152970, 33199029, 21045265, 25262649, 31599023, 30245029, 15355436, 26894580, 28941661, 27771369, 23280318, 16570074, 23965030, 19017801, 19509082, 22116359)

Genome-Nilou Lab
Classification: Uncertain significance for Pendred syndrome. Last evaluated: 2021-05-18. Review status: criteria provided, single submitter. Criteria: ACMG Guidelines, 2015. Collection method: clinical testing. Allele origin: germline. Affected: no. Not counted in ClinVar's aggregate classification.

Athena Diagnostics
Classification: Uncertain significance. Last evaluated: 2019-12-10. Review status: criteria provided, single submitter. Criteria: Athena Diagnostics Criteria. Collection method: clinical testing. Allele origin: unknown. Not counted in ClinVar's aggregate classification.

Mendelics
Classification: Likely benign for Pendred syndrome. Last evaluated: 2019-05-28. Review status: criteria provided, single submitter. Criteria: Mendelics Assertion Criteria 2017. Collection method: clinical testing. Allele origin: unknown. Not counted in ClinVar's aggregate classification.

NM_000441.2(SLC26A4):c.1061T>C (p.Phe354Ser)

Gene: SLC26A4 (solute carrier family 26 member 4; plus strand). Cytogenetic location: 7q22.3.
Variant type: single nucleotide variant.
Coding change: c.1061T>C on transcript NM_000441.2 (MANE Select); coding-DNA position 1061, T replaced by C.
Protein change: p.Phe354Ser; replaces phenylalanine 354 with serine.
Molecular consequence: missense variant.
Genome position (GRCh38, 1-based): chr7:107,689,112, T>C. VCF-style: chr7-107689112-T-C. GRCh37 (hg19) VCF-style: chr7-107329557-T-C.
Other names: NM_000441.2(SLC26A4):c.1061T>C; short protein forms F354S.
Identifiers: ClinVar variation 43492 (VCV000043492.78), dbSNP rs111033243, ClinGen allele CA132656.